The following is an entry in ClinVar:

ClinVar aggregate classification (germline): Uncertain significance (1 of 4 stars; one submission).

Conditions:
Congenital myasthenic syndrome 8. Also called: Myasthenic syndrome, congenital, 8, with pre- and postsynaptic defects; MYASTHENIC SYNDROME, CONGENITAL, DUE TO AGRIN DEFICIENCY. Identifiers: Orphanet 590, MedGen C3808739, MONDO:0014052, OMIM 615120.

gnomAD v4.1: 2 of 1,611,738 alleles (0.00012%); highest among the groups gnomAD compares: Non-Finnish European, 0.00017%; no homozygotes.

Submission:

Labcorp Genetics (formerly Invitae), Labcorp
Classification: Uncertain significance for Congenital myasthenic syndrome 8. Last evaluated: 2022-07-19. Review status: criteria provided, single submitter. Criteria: Invitae Variant Classification Sherloc (09022015). Collection method: clinical testing. Allele origin: germline.
Comment: This sequence change replaces proline, which is neutral and non-polar, with threonine, which is neutral and polar, at codon 398 of the AGRN protein (p.Pro398Thr). The frequency data for this variant in the population databases is considered unreliable, as metrics indicate poor data quality at this position in the gnomAD database. This variant has not been reported in the literature in individuals affected with AGRN-related conditions. ClinVar contains an entry for this variant (Variation ID: 1355016). Algorithms developed to predict the effect of missense changes on protein structure and function output the following: SIFT: "Tolerated"; PolyPhen-2: "Possibly Damaging"; Align-GVGD: "Class C0". The threonine amino acid residue is found in multiple mammalian species, which suggests that this missense change does not adversely affect protein function. In summary, the available evidence is currently insufficient to determine the role of this variant in disease. Therefore, it has been classified as a Variant of Uncertain Significance.

NM_198576.4(AGRN):c.1192C>A (p.Pro398Thr)

Gene: AGRN (agrin; plus strand). Cytogenetic location: 1p36.33.
Variant type: single nucleotide variant.
Coding change: c.1192C>A on transcript NM_198576.4 (MANE Select); coding-DNA position 1192, C replaced by A.
Protein change: p.Pro398Thr; replaces proline 398 with threonine.
Molecular consequence: missense variant.
Genome position (GRCh38, 1-based): chr1:1,041,970, C>A. VCF-style: chr1-1041970-C-A. GRCh37 (hg19) VCF-style: chr1-977350-C-A.
Other names: c.1192C>A, p.Pro398Thr (NM_001305275.2); c.877C>A, p.Pro293Thr (NM_001364727.2); short protein forms P398T, P293T.
Identifiers: ClinVar variation 1355016 (VCV001355016.5), dbSNP rs138165746, ClinGen allele CA337827583.